The following is an entry in ClinVar:

ClinVar aggregate classification (germline): Uncertain significance (1 of 4 stars; one submission).

Submission:

Quest Diagnostics Nichols Institute San Juan Capistrano
Classification: Uncertain significance. Last evaluated: 2025-09-11. Review status: criteria provided, single submitter. Criteria: Quest Diagnostics criteria. Collection method: clinical testing. Allele origin: unknown.
Comment: The APOB c.11365G>T (p.Val3789Leu) variant has not been reported in individuals with APOB-related conditions in the published literature. This variant also has not been reported in large, multi-ethnic general populations (Genome Aggregation Database). Analysis of this variant using bioinformatics tools for the prediction of the effect of amino acid changes on protein structure and function yielded predictions that this variant is benign. Based on the available information, we are unable to determine the clinical significance of this variant.

NM_000384.3(APOB):c.11365G>T (p.Val3789Leu)

Gene: APOB (apolipoprotein B; minus strand). Cytogenetic location: 2p24.1.
Variant type: single nucleotide variant.
Coding change: c.11365G>T on transcript NM_000384.3 (MANE Select); coding-DNA position 11365, G replaced by T.
Protein change: p.Val3789Leu; replaces valine 3789 with leucine.
Molecular consequence: missense variant.
Genome position (GRCh38, 1-based): chr2:21,005,503, C>A on the plus strand (G>T on the coding strand, the complement: APOB is on the minus strand). VCF-style: chr2-21005503-C-A. GRCh37 (hg19) VCF-style: chr2-21228375-C-A.
Other names: short protein forms V3789L.
Identifiers: ClinVar variation 4532931 (VCV004532931.1).